The following is an entry in ClinVar:

ClinVar aggregate classification (germline): Likely benign. Review status: criteria provided, multiple submitters, no conflicts (2 of 4 stars). 3 submissions from 3 submitters: Likely benign (3). Last evaluated 2025-10-02.

Conditions:
SPTB-related disorder. Also called: SPTB-related condition; SPTB-Related Disorders.

gnomAD v4.1: 117 of 1,611,504 alleles (0.0073%); highest among the groups gnomAD compares: South Asian, 0.0088%; no homozygotes.

Submissions (3):

Labcorp Genetics (formerly Invitae), Labcorp
Classification: Likely benign. Last evaluated: 2025-10-02. Review status: criteria provided, single submitter. Criteria: Invitae Variant Classification Sherloc (09022015). Collection method: clinical testing. Allele origin: germline.

PreventionGenetics, part of Exact Sciences
Classification: Likely benign for SPTB-related condition. Last evaluated: 2025-06-03. Review status: criteria provided, single submitter. Criteria: ACMG Guidelines, 2015. Collection method: clinical testing. Allele origin: germline.
Comment: This variant is classified as likely benign based on ACMG/AMP sequence variant interpretation guidelines (Richards et al. 2015 PMID: 25741868, with internal and published modifications).

ARUP Laboratories, Molecular Genetics and Genomics, ARUP Laboratories
Classification: Likely benign. Last evaluated: 2025-05-20. Review status: criteria provided, single submitter. Criteria: ARUP Molecular Germline Variant Investigation Process 2024. Collection method: clinical testing. Allele origin: germline.

NM_001355436.2(SPTB):c.5265G>A (p.Glu1755=)

Gene: SPTB (spectrin beta, erythrocytic; minus strand). Cytogenetic location: 14q23.3.
Variant type: single nucleotide variant.
Coding change: c.5265G>A on transcript NM_001355436.2 (MANE Select); coding-DNA position 5265, G replaced by A.
Protein change: p.Glu1755=; no amino-acid change (glutamic acid 1755 retained).
Molecular consequence: synonymous variant.
Genome position (GRCh38, 1-based): chr14:64,772,868, C>T on the plus strand (G>A on the coding strand, the complement: SPTB is on the minus strand). VCF-style: chr14-64772868-C-T. GRCh37 (hg19) VCF-style: chr14-65239586-C-T.
Other names: c.5265G>A, p.Glu1755= (NM_001024858.4, NM_001355437.2); c.5265G>A (NM_001024858.2).
Identifiers: ClinVar variation 3711161 (VCV003711161.4).
Genomic context (GRCh38, chr14:64,772,868, plus strand): 5'-CAGCCCGTCCTTCCACTCGGCGATGGTGGCCGCCTCGCTGTGGCCCGCGTCGATGAGTCG[C>T]TCGATGAAGGCATTCACATTGTCCACCCGCTCCTGCCCAATCGCCCCGGTCTCCCGGGCA-3'
Protein context (NP_001342365.1, residues 1745-1765): ERVDNVNAFI[Glu1755=]RLIDAGHSEA